The following is an entry in ClinVar:

ClinVar aggregate classification (germline): Pathogenic (1 of 4 stars; one submission).

Submission:

GeneDx
Classification: Pathogenic. Last evaluated: 2026-03-03. Review status: criteria provided, single submitter. Criteria: GeneDx Variant Classification Process June 2021. Collection method: clinical testing. Allele origin: germline.
Comment: Damages or destroys the splice donor site in intron 31, and is expected to cause abnormal gene splicing; if the splice outcome is exon skip, the loss of the encoded residues in the triple helical region is expected to disrupt normal protein folding and function, and this is an established mechanism of disease (HGMD); Not observed at significant frequency in large population cohorts (gnomAD); This variant is associated with the following publications: (PMID: 25525159, 25963598, 15241796)

NM_000088.4(COL1A1):c.2127+2T>G

Gene: COL1A1 (collagen type I alpha 1 chain; minus strand). Cytogenetic location: 17q21.33.
Variant type: single nucleotide variant.
Coding change: c.2127+2T>G on transcript NM_000088.4 (MANE Select); the canonical splice donor site of the intron after coding-DNA position 2127, T replaced by G.
Molecular consequence: splice donor variant.
Genome position (GRCh38, 1-based): chr17:50,191,786, A>C on the plus strand (T>G on the coding strand, the complement: COL1A1 is on the minus strand). VCF-style: chr17-50191786-A-C. GRCh37 (hg19) VCF-style: chr17-48269147-A-C.
Identifiers: ClinVar variation 4888207 (VCV004888207.1).